The following is an entry in ClinVar:

ClinVar aggregate classification (germline): Likely benign (1 of 4 stars; one submission).

Submission:

Women's Health and Genetics/Laboratory Corporation of America, LabCorp
Classification: Likely benign. Last evaluated: 2026-02-20. Review status: criteria provided, single submitter. Criteria: LabCorp Variant Classification Summary - May 2015. Collection method: clinical testing. Allele origin: germline.
Comment: Variant summary: BRCA2 c.9649-17_9649-16delinsCA alters nucleotides located at a position not widely known to affect splicing. Consensus agreement among computation tools predict no significant impact on normal splicing. However, these predictions have yet to be confirmed by functional studies. The variant was absent in 272682 control chromosomes. The available data on variant occurrences in the general population are insufficient to allow any conclusion about variant significance. To our knowledge, no occurrence of c.9649-17_9649-16delinsCA in individuals affected with BRCA2-related conditions and no experimental evidence demonstrating its impact on protein function have been reported. No submitters have cited clinical-significance assessments for this variant to ClinVar. Based on the evidence outlined above, the variant was classified as likely benign.

NM_000059.4(BRCA2):c.9649-17_9649-16delinsCA

Gene: BRCA2 (BRCA2 DNA repair associated; plus strand). Cytogenetic location: 13q13.1.
Variant type: Indel.
Coding change: c.9649-17_9649-16delinsCA on transcript NM_000059.4 (MANE Select); 17 bases into the intron before coding-DNA position 9649 through 16 bases into the intron before coding-DNA position 9649, TT replaced by CA.
Molecular consequence: intron variant.
Genome position (GRCh38, 1-based): chr13:32,398,145-32,398,146, TT replaced by CA. VCF-style: chr13-32398145-TT-CA. GRCh37 (hg19) VCF-style: chr13-32972282-TT-CA.
Other names: c.9649-17_9649-16delinsCA (NM_001432077.1); c.9598-17_9598-16delinsCA (NM_001406720.1); c.9553-17_9553-16delinsCA (NM_001406719.1); c.4717-17_4717-16delinsCA (NM_001406721.1); c.3232-17_3232-16delinsCA (NM_001406722.1).
Identifiers: ClinVar variation 4848207 (VCV004848207.1).